The following is an entry in ClinVar:

NM_001366385.1(CARD14):c.2671G>A (p.Val891Met)

Genes: CARD14 (caspase recruitment domain family member 14; plus strand), SGSH (N-sulfoglucosamine sulfohydrolase; minus strand), LOC126862662 (MED14-independent group 3 enhancer GRCh37_chr17:78178385-78179584; plus strand). Cytogenetic location: 17q25.3.
Variant type: single nucleotide variant.
Coding change: c.2671G>A on transcript NM_001366385.1 (MANE Select); coding-DNA position 2671, G replaced by A.
Protein change: p.Val891Met; replaces valine 891 with methionine.
Molecular consequence: missense variant. On other transcripts: non-coding transcript variant (1).
Genome position (GRCh38, 1-based): chr17:80,205,632, G>A. VCF-style: chr17-80205632-G-A. GRCh37 (hg19) VCF-style: chr17-78179431-G-A.
Other names: c.2671G>A, p.Val891Met (NM_024110.4); short protein forms V891M.
Identifiers: ClinVar variation 1953930 (VCV001953930.5), dbSNP rs2510780308, ClinGen allele CA401356470.

ClinVar aggregate classification (germline): Uncertain significance (1 of 4 stars; one submission).

Conditions:
Pityriasis rubra pilaris (PRP). Also called: Pityriasis rubra pilaris--familial type. Identifiers: Orphanet 2897, MedGen C0032027, MONDO:0100017, OMIM 173200, MONDO:0008251.
Psoriasis 2. Identifiers: MedGen C1864497, MONDO:0011269, OMIM 602723.

Submission:

Labcorp Genetics (formerly Invitae), Labcorp
Classification: Uncertain significance for Pityriasis rubra pilaris; Psoriasis 2. Last evaluated: 2022-09-12. Review status: criteria provided, single submitter. Criteria: Invitae Variant Classification Sherloc (09022015). Collection method: clinical testing. Allele origin: germline.
Comment: This variant has not been reported in the literature in individuals affected with CARD14-related conditions. Advanced modeling of protein sequence and biophysical properties (such as structural, functional, and spatial information, amino acid conservation, physicochemical variation, residue mobility, and thermodynamic stability) performed at Invitae indicates that this missense variant is not expected to disrupt CARD14 protein function. In summary, the available evidence is currently insufficient to determine the role of this variant in disease. Therefore, it has been classified as a Variant of Uncertain Significance. This variant is not present in population databases (gnomAD no frequency). This sequence change replaces valine, which is neutral and non-polar, with methionine, which is neutral and non-polar, at codon 891 of the CARD14 protein (p.Val891Met).